The following is an entry in ClinVar:

NM_024642.5(GALNT12):c.874G>C (p.Glu292Gln)

Gene: GALNT12 (polypeptide N-acetylgalactosaminyltransferase 12; plus strand). Cytogenetic location: 9q22.33.
Variant type: single nucleotide variant.
Coding change: c.874G>C on transcript NM_024642.5 (MANE Select); coding-DNA position 874, G replaced by C.
Protein change: p.Glu292Gln; replaces glutamic acid 292 with glutamine.
Molecular consequence: missense variant.
Genome position (GRCh38, 1-based): chr9:98,831,914, G>C. VCF-style: chr9-98831914-G-C. GRCh37 (hg19) VCF-style: chr9-101594196-G-C.
Other names: short protein forms E292Q.
Identifiers: ClinVar variation 822705 (VCV000822705.5), dbSNP rs1588450031, ClinGen allele CA374218271.

ClinVar aggregate classification (germline): Uncertain significance (1 of 4 stars; one submission).

Submission:

Ambry Genetics
Classification: Uncertain significance. Last evaluated: 2024-04-05. Review status: criteria provided, single submitter. Criteria: Ambry Variant Classification Scheme 2023. Collection method: clinical testing. Allele origin: germline.
Comment: The p.E292Q variant (also known as c.874G>C), located in coding exon 4 of the GALNT12 gene, results from a G to C substitution at nucleotide position 874. The glutamic acid at codon 292 is replaced by glutamine, an amino acid with highly similar properties. This amino acid position is poorly conserved in available vertebrate species. In addition, this alteration is predicted to be tolerated by in silico analysis. The evidence for this gene-disease relationship is limited; therefore, the clinical significance of this alteration is unclear.